The following is an entry in ClinVar:

NM_201384.3(PLEC):c.5486C>T (p.Ala1829Val)

Gene: PLEC (plectin; minus strand). Cytogenetic location: 8q24.3.
Variant type: single nucleotide variant.
Coding change: c.5486C>T on transcript NM_201384.3 (MANE Select); coding-DNA position 5486, C replaced by T.
Protein change: p.Ala1829Val; replaces alanine 1829 with valine.
Molecular consequence: missense variant. On other transcripts: intron variant (1).
Genome position (GRCh38, 1-based): chr8:143,924,443, G>A on the plus strand (C>T on the coding strand, the complement: PLEC is on the minus strand). VCF-style: chr8-143924443-G-A. GRCh37 (hg19) VCF-style: chr8-144998611-G-A.
Other names: c.5567C>T, p.Ala1856Val (NM_000445.5); c.5444C>T, p.Ala1815Val (NM_201378.4); c.5420C>T, p.Ala1807Val (NM_201379.3); c.5897C>T, p.Ala1966Val (NM_201380.4); c.5390C>T, p.Ala1797Val (NM_201381.3); c.5486C>T, p.Ala1829Val (NM_201382.4); c.5498C>T, p.Ala1833Val (NM_201383.3); c.4126-2048C>T (NM_001410941.1); short protein forms A1797V, A1807V, A1815V, A1829V, A1833V, A1856V, A1966V.
Identifiers: ClinVar variation 3748897 (VCV003748897.2).

ClinVar aggregate classification (germline): Uncertain significance (1 of 4 stars; one submission).

Conditions:
Epidermolysis bullosa simplex with nail dystrophy (EBS5D). Identifiers: MedGen C4225309, MONDO:0014661, OMIM 616487.
Autosomal recessive limb-girdle muscular dystrophy type 2Q (LGMDR17). Also called: MUSCULAR DYSTROPHY, LIMB-GIRDLE, AUTOSOMAL RECESSIVE 17. Identifiers: Orphanet 254361, MedGen C3150989, MONDO:0013390, OMIM 613723.
Epidermolysis bullosa simplex 5B, with muscular dystrophy (EBS5B). Also called: Epidermolysis bullosa simplex with muscular dystrophy; EPIDERMOLYSIS BULLOSA SIMPLEX AND LIMB-GIRDLE MUSCULAR DYSTROPHY. Identifiers: Orphanet 257, MedGen C2931072, MONDO:0009181, OMIM 226670.
Epidermolysis bullosa simplex 5C, with pyloric atresia (EBS5C). Also called: PLEC-Related Epidermolysis Bullosa with Pyloric Atresia; Epidermolysis bullosa simplex with pyloric atresia; PLEC1-Related Epidermolysis Bullosa with Pyloric Atresia. Identifiers: Orphanet 158684, MedGen C2677349, MONDO:0012807, OMIM 612138.
Epidermolysis bullosa simplex, Ogna type (EBS5A). Also called: Pidermolysis bullosa simplex 5A, Ogna type; EPIDERMOLYSIS BULLOSA SIMPLEX 5A, OGNA TYPE. Identifiers: Orphanet 79401, MedGen C0432317, MONDO:0007555, OMIM 131950.

gnomAD v4.1: 2 of 1,564,678 alleles (0.00013%); highest among the groups gnomAD compares: Middle Eastern, 0.018%; no homozygotes.

Submission:

Labcorp Genetics (formerly Invitae), Labcorp
Classification: Uncertain significance for Autosomal recessive limb-girdle muscular dystrophy type 2Q; Epidermolysis bullosa simplex, Ogna type; Epidermolysis bullosa simplex with nail dystrophy; Epidermolysis bullosa simplex 5C, with pyloric atresia; Epidermolysis bullosa simplex 5B, with muscular dystrophy. Last evaluated: 2025-04-28. Review status: criteria provided, single submitter. Criteria: Invitae Variant Classification Sherloc (09022015). Collection method: clinical testing. Allele origin: germline.
Comment: This sequence change replaces alanine, which is neutral and non-polar, with valine, which is neutral and non-polar, at codon 1856 of the PLEC protein (p.Ala1856Val). This variant is not present in population databases (gnomAD no frequency). This variant has not been reported in the literature in individuals affected with PLEC-related conditions. ClinVar contains an entry for this variant (Variation ID: 3748897). Experimental studies and prediction algorithms are not available or were not evaluated, and the functional significance of this variant is currently unknown. In summary, the available evidence is currently insufficient to determine the role of this variant in disease. Therefore, it has been classified as a Variant of Uncertain Significance.